The following is an entry in ClinVar:

NM_006267.5(RANBP2):c.4705C>T (p.Pro1569Ser)

Gene: RANBP2 (RAN binding protein 2; plus strand). Cytogenetic location: 2q13.
Variant type: single nucleotide variant.
Coding change: c.4705C>T on transcript NM_006267.5 (MANE Select); coding-DNA position 4705, C replaced by T.
Protein change: p.Pro1569Ser; replaces proline 1569 with serine.
Molecular consequence: missense variant.
Genome position (GRCh38, 1-based): chr2:108,765,244, C>T. VCF-style: chr2-108765244-C-T. GRCh37 (hg19) VCF-style: chr2-109381700-C-T.
Other names: c.4705C>T, p.Pro1569Ser (NM_001415871.1, NM_001415873.1); c.4702C>T, p.Pro1568Ser (NM_001415872.1); short protein forms P1568S, P1569S.
Identifiers: ClinVar variation 2651251 (VCV002651251.24), dbSNP rs1212737081, ClinGen allele CA348068498.

ClinVar aggregate classification (germline): Uncertain significance (1 of 4 stars; one submission).

Allele frequency attached by ClinVar (database versions not stated): TOPMed below 0.00001.
gnomAD v4.1: 1 of 1,613,898 alleles (0.000062%); highest among the groups gnomAD compares: Middle Eastern, 0.016%; no homozygotes.

Submission:

CeGaT Center for Human Genetics Tuebingen
Classification: Uncertain significance. Last evaluated: 2022-05-01. Review status: criteria provided, single submitter. Criteria: CeGaT Center For Human Genetics Tuebingen Variant Classification Criteria Version 2. Collection method: clinical testing. Allele origin: germline. Affected: yes. Observed: 1 variant allele.
Comment: RANBP2: PM2, BP4